The following is an entry in ClinVar:

NM_000245.4(MET):c.3908T>C (p.Leu1303Pro)

Gene: MET (MET proto-oncogene, receptor tyrosine kinase; plus strand). Cytogenetic location: 7q31.2.
Variant type: single nucleotide variant.
Coding change: c.3908T>C on transcript NM_000245.4 (MANE Select); coding-DNA position 3908, T replaced by C.
Protein change: p.Leu1303Pro; replaces leucine 1303 with proline.
Molecular consequence: missense variant.
Genome position (GRCh38, 1-based): chr7:116,795,764, T>C. VCF-style: chr7-116795764-T-C. GRCh37 (hg19) VCF-style: chr7-116435818-T-C.
Other names: c.3962T>C, p.Leu1321Pro (NM_001127500.3); c.2618T>C, p.Leu873Pro (NM_001324402.2); short protein forms L1303P, L1321P, L873P.
Identifiers: ClinVar variation 3777520 (VCV003777520.2).

ClinVar aggregate classification (germline): Uncertain significance. Review status: criteria provided, multiple submitters, no conflicts (2 of 4 stars). 2 submissions from 2 submitters: Uncertain significance (2). Last evaluated 2025-05-23.

Conditions:
Hereditary cancer-predisposing syndrome. Also called: Tumor predisposition; Hereditary Cancer Syndrome; Neoplastic Syndromes, Hereditary; Hereditary neoplastic syndrome. Identifiers: Orphanet 140162, MedGen C0027672, MeSH D009386, MONDO:0015356.

gnomAD v4.1: 1 of 1,614,196 alleles (0.000062%); highest among the groups gnomAD compares: Non-Finnish European, 0.000085%; no homozygotes.

Submissions (2):

Ambry Genetics
Classification: Uncertain significance for Hereditary cancer-predisposing syndrome. Last evaluated: 2025-05-23. Review status: criteria provided, single submitter. Criteria: Ambry Variant Classification Scheme 2023. Collection method: clinical testing. Allele origin: germline.
Comment: The p.L1321P variant (also known as c.3962T>C), located in coding exon 19 of the MET gene, results from a T to C substitution at nucleotide position 3962. The leucine at codon 1321 is replaced by proline, an amino acid with similar properties. This amino acid position is highly conserved in available vertebrate species. In addition, the in silico prediction for this alteration is inconclusive. Based on the available evidence, the clinical significance of this variant remains unclear.

GeneDx
Classification: Uncertain significance. Last evaluated: 2024-10-08. Review status: criteria provided, single submitter. Criteria: GeneDx Variant Classification Process June 2021. Collection method: clinical testing. Allele origin: germline. Affected: yes.
Comment: Not observed at significant frequency in large population cohorts (gnomAD); In silico analysis indicates that this missense variant does not alter protein structure/function; Has not been previously published as pathogenic or benign to our knowledge